The following is an entry in ClinVar:

NM_024417.5(FDXR):c.1284G>A (p.Gly428=)

Gene: FDXR (ferredoxin reductase; minus strand). Cytogenetic location: 17q25.1.
Variant type: single nucleotide variant.
Coding change: c.1284G>A on transcript NM_024417.5 (MANE Select); coding-DNA position 1284, G replaced by A.
Protein change: p.Gly428=; no amino-acid change (glycine 428 retained).
Molecular consequence: synonymous variant. On other transcripts: non-coding transcript variant (1).
Genome position (GRCh38, 1-based): chr17:74,863,137, C>T on the plus strand (G>A on the coding strand, the complement: FDXR is on the minus strand). VCF-style: chr17-74863137-C-T. GRCh37 (hg19) VCF-style: chr17-72859259-C-T.
Other names: c.1413G>A, p.Gly471= (NM_001258012.4); c.1377G>A, p.Gly459= (NM_001258013.4); c.1260G>A, p.Gly420= (NM_001258014.4); c.1164G>A, p.Gly388= (NM_001258015.3); c.1128G>A, p.Gly376= (NM_001258016.3); c.1302G>A, p.Gly434= (NM_004110.6).
Identifiers: ClinVar variation 3039506 (VCV003039506.9), dbSNP rs557071631, ClinGen allele CA293970746.

ClinVar aggregate classification (germline): Likely benign. Review status: criteria provided, multiple submitters, no conflicts (2 of 4 stars). 3 submissions from 3 submitters: Likely benign (2). 1 of the submissions does not count toward it. Last evaluated 2025-11-01.

Conditions:
FDXR-related disorder. Also called: FDXR-related disorders; FDXR-related condition.

Allele frequency attached by ClinVar (database versions not stated): gnomAD 0.00012; 1000 Genomes Project 30x 0.00016; 1000 Genomes Project 0.00020.
gnomAD v4.1: 25 of 1,613,766 alleles (0.0015%); highest among the groups gnomAD compares: African/African-American, 0.031%; no homozygotes.

Submissions (3):

CeGaT Center for Human Genetics Tuebingen
Classification: Likely benign. Last evaluated: 2025-11-01. Review status: criteria provided, single submitter. Criteria: CeGaT Center For Human Genetics Tuebingen Variant Classification Criteria Version 2. Collection method: clinical testing. Allele origin: germline. Affected: yes. Observed: 1 variant allele.
Comment: FDXR: BP4, BP7

Blueprint Genetics
Classification: Likely benign. Last evaluated: 2023-04-18. Review status: criteria provided, single submitter. Criteria: ACMG Guidelines, 2015. Collection method: clinical testing. Allele origin: germline.

PreventionGenetics, part of Exact Sciences
Classification: Likely benign for FDXR-related condition. Last evaluated: 2020-01-06. Review status: no assertion criteria provided. Collection method: clinical testing. Allele origin: germline. Not counted in ClinVar's aggregate classification.
Comment: This variant is classified as likely benign based on ACMG/AMP sequence variant interpretation guidelines (Richards et al. 2015 PMID: 25741868, with internal and published modifications).